The following is an entry in ClinVar:

NM_001364905.1(LRBA):c.7022G>A (p.Arg2341His)

Gene: LRBA (LPS responsive beige-like anchor protein; minus strand). Cytogenetic location: 4q31.3.
Variant type: single nucleotide variant.
Coding change: c.7022G>A on transcript NM_001364905.1 (MANE Select); coding-DNA position 7022, G replaced by A.
Protein change: p.Arg2341His; replaces arginine 2341 with histidine.
Molecular consequence: missense variant.
Genome position (GRCh38, 1-based): chr4:150,435,608, C>T on the plus strand (G>A on the coding strand, the complement: LRBA is on the minus strand). VCF-style: chr4-150435608-C-T. GRCh37 (hg19) VCF-style: chr4-151356760-C-T.
Other names: c.7022G>A, p.Arg2341His (NM_001199282.3, NM_001367550.1); c.7055G>A, p.Arg2352His (NM_006726.5); short protein forms R2352H, R2341H.
Identifiers: ClinVar variation 937485 (VCV000937485.10), dbSNP rs371873204, ClinGen allele CA3101756.

ClinVar aggregate classification (germline): Uncertain significance. Review status: criteria provided, multiple submitters, no conflicts (2 of 4 stars). 3 submissions from 3 submitters: Uncertain significance (3). Last evaluated 2024-12-02.

Conditions:
Inborn genetic diseases. Identifiers: MedGen C0950123, MeSH D030342.
Combined immunodeficiency due to LRBA deficiency. Also called: Common variable immunodeficiency 8, with autoimmunity. Identifiers: Orphanet 445018, MedGen C3553512, MONDO:0013863, OMIM 614700.

Allele frequency attached by ClinVar (database versions not stated): TOPMed 0.00010; gnomAD 0.00011 and 0.00012; ESP Exome Variant Server 0.00015; ExAC 0.00048.
gnomAD v4.1: 189 of 1,612,620 alleles (0.012%); highest among the groups gnomAD compares: South Asian, 0.047%; 1 homozygote.

Submissions (3):

Ambry Genetics
Classification: Uncertain significance for Inborn genetic diseases. Last evaluated: 2024-12-02. Review status: criteria provided, single submitter. Criteria: Ambry Variant Classification Scheme 2023. Collection method: clinical testing. Allele origin: germline.

Labcorp Genetics (formerly Invitae), Labcorp
Classification: Uncertain significance for Combined immunodeficiency due to LRBA deficiency. Last evaluated: 2024-10-21. Review status: criteria provided, single submitter. Criteria: Invitae Variant Classification Sherloc (09022015). Collection method: clinical testing. Allele origin: germline.
Comment: This sequence change replaces arginine, which is basic and polar, with histidine, which is basic and polar, at codon 2352 of the LRBA protein (p.Arg2352His). This variant is present in population databases (rs371873204, gnomAD 0.05%). This variant has not been reported in the literature in individuals affected with LRBA-related conditions. ClinVar contains an entry for this variant (Variation ID: 937485). Invitae Evidence Modeling of protein sequence and biophysical properties (such as structural, functional, and spatial information, amino acid conservation, physicochemical variation, residue mobility, and thermodynamic stability) has been performed for this missense variant. However, the output from this modeling did not meet the statistical confidence thresholds required to predict the impact of this variant on LRBA protein function. In summary, the available evidence is currently insufficient to determine the role of this variant in disease. Therefore, it has been classified as a Variant of Uncertain Significance.

Blueprint Genetics
Classification: Uncertain significance. Last evaluated: 2024-10-16. Review status: criteria provided, single submitter. Criteria: ACMG Guidelines, 2015. Collection method: clinical testing. Allele origin: germline.